The following is an entry in ClinVar:

NM_000069.3(CACNA1S):c.3419A>G (p.Tyr1140Cys)

Gene: CACNA1S (calcium voltage-gated channel subunit alpha1 S; minus strand). Cytogenetic location: 1q32.1.
Variant type: single nucleotide variant.
Coding change: c.3419A>G on transcript NM_000069.3 (MANE Select); coding-DNA position 3419, A replaced by G.
Protein change: p.Tyr1140Cys; replaces tyrosine 1140 with cysteine.
Molecular consequence: missense variant.
Genome position (GRCh38, 1-based): chr1:201,059,295, T>C on the plus strand (A>G on the coding strand, the complement: CACNA1S is on the minus strand). VCF-style: chr1-201059295-T-C. GRCh37 (hg19) VCF-style: chr1-201028423-T-C.
Other names: short protein forms Y1140C.
Identifiers: ClinVar variation 493060 (VCV000493060.45), dbSNP rs1043042231, ClinGen allele CA36005942.

ClinVar aggregate classification (germline): Uncertain significance. Review status: criteria provided, multiple submitters, no conflicts (2 of 4 stars). 3 submissions from 3 submitters: Uncertain significance (3). Last evaluated 2024-04-19.

Conditions:
Malignant hyperthermia, susceptibility to, 5 (MHS5). Also called: CACNA1S-Related Malignant Hyperthermia Susceptibility. Identifiers: Orphanet 423, MedGen C1866077, MONDO:0011163, OMIM 601887.
Thyrotoxic periodic paralysis, susceptibility to, 1 (TTPP1). Identifiers: Orphanet 79102, MedGen C2749982, MONDO:0008570, OMIM 188580.
Hypokalemic periodic paralysis, type 1. Also called: HypoPP; Hypokalemic Periodic Paralysis Type 1 (AD). Identifiers: Orphanet 681, MedGen C3714580, MONDO:0042979, OMIM 170400.
Congenital myopathy 18. Also called: Myopathy, congenital, due to dihydropyridine receptor defect; DIHYDROPYRIDINE RECEPTOR CONGENITAL MYOPATHY; DHPR CONGENITAL MYOPATHY. Identifiers: MedGen C5830283, MONDO:0859514, OMIM 620246.

Allele frequency attached by ClinVar (database versions not stated): gnomAD exomes below 0.00001 and 0.00001; gnomAD 0.00001; TOPMed 0.00002.
gnomAD v4.1: 9 of 1,611,002 alleles (0.00056%); highest among the groups gnomAD compares: Non-Finnish European, 0.00076%; no homozygotes.

Submissions (3):

Fulgent Genetics
Classification: Uncertain significance for Hypokalemic periodic paralysis, type 1; Thyrotoxic periodic paralysis, susceptibility to, 1; Malignant hyperthermia, susceptibility to, 5; Congenital myopathy 18. Last evaluated: 2024-04-19. Review status: criteria provided, single submitter. Criteria: ACMG Guidelines, 2015. Collection method: clinical testing. Allele origin: germline.

Color Diagnostics, LLC DBA Color Health
Classification: Uncertain significance for Malignant hyperthermia, susceptibility to, 5. Last evaluated: 2023-11-15. Review status: criteria provided, single submitter. Criteria: ACMG Guidelines, 2015. Collection method: clinical testing. Allele origin: germline.
Comment: This missense variant replaces tyrosine with cysteine at codon 1140 of the CACNA1S protein. Computational prediction suggests that this variant may not impact protein structure and function. To our knowledge, functional studies have not been reported for this variant. This variant has not been reported in individuals affected with CACNA1S-related disorders in the literature. This variant has been identified in 1/251300 chromosomes in the general population by the Genome Aggregation Database (gnomAD). The available evidence is insufficient to determine the role of this variant in disease conclusively. Therefore, this variant is classified as a Variant of Uncertain Significance.

CeGaT Center for Human Genetics Tuebingen
Classification: Uncertain significance. Last evaluated: 2017-07-01. Review status: criteria provided, single submitter. Criteria: CeGaT Center For Human Genetics Tuebingen Variant Classification Criteria Version 2. Collection method: clinical testing. Allele origin: germline. Affected: yes. Observed: 1 variant allele.